The following is an entry in ClinVar:

NM_002579.3(PALM):c.619G>A (p.Glu207Lys)

Gene: PALM (paralemmin; plus strand). Cytogenetic location: 19p13.3.
Variant type: single nucleotide variant.
Coding change: c.619G>A on transcript NM_002579.3 (MANE Select); coding-DNA position 619, G replaced by A.
Protein change: p.Glu207Lys; replaces glutamic acid 207 with lysine.
Molecular consequence: missense variant. On other transcripts: intron variant (1).
Genome position (GRCh38, 1-based): chr19:740,468, G>A. VCF-style: chr19-740468-G-A. GRCh37 (hg19) VCF-style: chr19-740468-G-A.
Other names: c.502+4390G>A (NM_001040134.2); short protein forms E207K.
Identifiers: ClinVar variation 2326471 (VCV002326471.6), dbSNP rs1024090980, ClinGen allele CA303943871.

ClinVar aggregate classification (germline): Uncertain significance. Review status: criteria provided, multiple submitters, no conflicts (2 of 4 stars). 2 submissions from 2 submitters: Uncertain significance (2). Last evaluated 2025-12-11.

Allele frequency attached by ClinVar (database versions not stated): gnomAD 0.00001; gnomAD exomes 0.00002; TOPMed 0.00002.

Submissions (2):

Ambry Genetics
Classification: Uncertain significance. Last evaluated: 2025-12-11. Review status: criteria provided, single submitter. Criteria: Ambry Variant Classification Scheme 2023. Collection method: clinical testing. Allele origin: germline.

Labcorp Genetics (formerly Invitae), Labcorp
Classification: Uncertain significance. Last evaluated: 2024-01-09. Review status: criteria provided, single submitter. Criteria: Invitae Variant Classification Sherloc (09022015). Collection method: clinical testing. Allele origin: germline.
Comment: This sequence change replaces glutamic acid, which is acidic and polar, with lysine, which is basic and polar, at codon 207 of the PALM protein (p.Glu207Lys). The frequency data for this variant in the population databases is considered unreliable, as metrics indicate poor data quality at this position in the gnomAD database. This variant has not been reported in the literature in individuals affected with PALM-related conditions. ClinVar contains an entry for this variant (Variation ID: 2326471). An algorithm developed to predict the effect of missense changes on protein structure and function (PolyPhen-2) suggests that this variant is likely to be disruptive. In summary, the available evidence is currently insufficient to determine the role of this variant in disease. Therefore, it has been classified as a Variant of Uncertain Significance.